The following is an entry in ClinVar:

ClinVar aggregate classification (germline): Uncertain significance (1 of 4 stars; one submission).

Conditions:
Mitochondrial DNA depletion syndrome, encephalomyopathic form with methylmalonic aciduria (MTDPS5). Also called: SUCLA2-Related Mitochondrial DNA Depletion Syndrome, Encephalomyopathic Form with Methylmalonic Aciduria; Mitochondrial encephalomyopathy aminoacidopathy; MITOCHONDRIAL DNA DEPLETION SYNDROME, ENCEPHALOMYOPATHIC FORM, WITH OR WITHOUT METHYLMALONIC ACIDURIA, AUTOSOMAL RECESSIVE, SUCLA2-RELATED; Mitochondrial DNA depletion syndrome 5 (encephalomyopathic with or without methylmalonic aciduria). Identifiers: Orphanet 1933, MedGen C5980207, MONDO:0012791, OMIM 612073.

Submission:

Labcorp Genetics (formerly Invitae), Labcorp
Classification: Uncertain significance for Mitochondrial DNA depletion syndrome, encephalomyopathic form with methylmalonic aciduria. Last evaluated: 2022-05-29. Review status: criteria provided, single submitter. Criteria: Invitae Variant Classification Sherloc (09022015). Collection method: clinical testing. Allele origin: germline.
Comment: This sequence change replaces isoleucine, which is neutral and non-polar, with leucine, which is neutral and non-polar, at codon 121 of the SUCLA2 protein (p.Ile121Leu). This variant is not present in population databases (gnomAD no frequency). This variant has not been reported in the literature in individuals affected with SUCLA2-related conditions. Algorithms developed to predict the effect of missense changes on protein structure and function (SIFT, PolyPhen-2, Align-GVGD) all suggest that this variant is likely to be tolerated. In summary, the available evidence is currently insufficient to determine the role of this variant in disease. Therefore, it has been classified as a Variant of Uncertain Significance.

NM_003850.3(SUCLA2):c.361A>C (p.Ile121Leu)

Gene: SUCLA2 (succinate-CoA ligase ADP-forming subunit beta; minus strand). Cytogenetic location: 13q14.2.
Variant type: single nucleotide variant.
Coding change: c.361A>C on transcript NM_003850.3 (MANE Select); coding-DNA position 361, A replaced by C.
Protein change: p.Ile121Leu; replaces isoleucine 121 with leucine.
Molecular consequence: missense variant.
Genome position (GRCh38, 1-based): chr13:47,988,892, T>G on the plus strand (A>C on the coding strand, the complement: SUCLA2 is on the minus strand). VCF-style: chr13-47988892-T-G. GRCh37 (hg19) VCF-style: chr13-48563027-T-G.
Other names: short protein forms I121L.
Identifiers: ClinVar variation 1898926 (VCV001898926.2), dbSNP rs1593500612, ClinGen allele CA388151266.